The following is an entry in ClinVar:

NM_000038.6(APC):c.5582_5585del (p.Asp1860_Ser1861insTer)

Gene: APC (APC regulator of Wnt signaling pathway; plus strand). Cytogenetic location: 5q22.2.
Variant type: Deletion.
Coding change: c.5582_5585del on transcript NM_000038.6 (MANE Select); coding-DNA positions 5582 to 5585, 4 bases deleted (CTTT; older notation c.5582_5585delCTTT).
Protein change: p.Asp1860_Ser1861insTer.
Molecular consequence: nonsense.
Genome position (GRCh38, 1-based): chr5:112,841,176-112,841,179, CTTT deleted; deleting any 4 consecutive bases within chr5:112,841,174-112,841,179 gives the same sequence; the c. name uses the placement nearest the transcript's 3' end. VCF-style (leftmost placement, unchanged base first): chr5-112841173-ATTCT-A. GRCh37 (hg19) VCF-style: chr5-112176870-ATTCT-A.
Other names: c.5582_5585del, p.Asp1860_Ser1861insTer (NM_001127510.3, NM_001354895.2); c.5528_5531del, p.Asp1842_Ser1843insTer (NM_001127511.3); c.5636_5639del, p.Asp1878_Ser1879insTer (NM_001354896.2); c.5612_5615del, p.Asp1870_Ser1871insTer (NM_001354897.2); c.5507_5510del, p.Asp1835_Ser1836insTer (NM_001354898.2); c.5498_5501del, p.Asp1832_Ser1833insTer (NM_001354899.2); c.5459_5462del, p.Asp1819_Ser1820insTer (NM_001354900.2); c.5405_5408del, p.Asp1801_Ser1802insTer (NM_001354901.2); and 5 more.
Identifiers: ClinVar variation 821 (VCV000000821.7), dbSNP rs587776520, ClinGen allele CA010520.

ClinVar aggregate classification (germline): Pathogenic. Review status: criteria provided, multiple submitters, no conflicts (2 of 4 stars). 4 submissions from 4 submitters: Pathogenic (3). 1 of the submissions does not count toward it. Last evaluated 2023-04-17.

Conditions:
Familial adenomatous polyposis 1 (FAP1). Also called: FAMILIAL ADENOMATOUS POLYPOSIS 1, ATTENUATED; POLYPOSIS, ADENOMATOUS INTESTINAL. Identifiers: MedGen C2713442, MONDO:0021056, OMIM 175100. Disease mechanism: loss of function.
Familial multiple polyposis syndrome (FAP). Also called: Classic familial adenomatous polyposis; Familial polyposis; Familial adenomatous polyposis; Familial intestinal polyposis; Familial Adenomatous Polyposis (FAP). Identifiers: Orphanet 733, MedGen C0032580, MONDO:0021055. Disease mechanism: loss of function.

Submissions (4):

Labcorp Genetics (formerly Invitae), Labcorp
Classification: Pathogenic for Familial adenomatous polyposis 1. Last evaluated: 2023-04-17. Review status: criteria provided, single submitter. Criteria: Invitae Variant Classification Sherloc (09022015). Collection method: clinical testing. Allele origin: germline.
Comment: This sequence change creates a premature translational stop signal (p.Ser1861*) in the APC gene. While this is not anticipated to result in nonsense mediated decay, it is expected to disrupt the last 983 amino acid(s) of the APC protein. This variant is not present in population databases (gnomAD no frequency). This premature translational stop signal has been observed in individual(s) with attenuated familial adenomatous polyposis (PMID: 8931709, 17489848). This variant is also known as 1860delTTCT. ClinVar contains an entry for this variant (Variation ID: 821). This variant disrupts a region of the APC protein in which other variant(s) (p.Tyr2645Lysfs*14) have been determined to be pathogenic (PMID: 1316610, 8381579, 9824584, 22135120, 27081525; Invitae). This suggests that this is a clinically significant region of the protein, and that variants that disrupt it are likely to be disease-causing. For these reasons, this variant has been classified as Pathogenic.

Myriad Genetics, Inc.
Classification: Pathogenic for Familial adenomatous polyposis 1. Last evaluated: 2023-02-08. Review status: criteria provided, single submitter. Criteria: Myriad Autosomal Dominant, Autosomal Recessive and X-Linked Classification Criteria (2023). Collection method: clinical testing. Allele origin: unknown.
Comment: This variant is considered pathogenic. This variant creates a termination codon and is predicted to result in premature protein truncation.

Women's Health and Genetics/Laboratory Corporation of America, LabCorp
Classification: Pathogenic for Familial adenomatous polyposis. Last evaluated: 2017-12-11. Review status: criteria provided, single submitter. Criteria: LabCorp Variant Classification Summary - May 2015. Collection method: clinical testing. Allele origin: germline.
Comment: Variant summary: The APC c.5582_5585delCTTT (p.Ser1861fsX1) variant results in a termination codon in the last exon, however deletes a large number of amino acids (i.e. deletes the last 981 amino acids). Truncations downstream of this position have been classified as pathogenic/likely pathogenic by clinical laboratories in ClinVar (e.g. c.5952_5955delTG, c.5973delG, c.6053delC, etc.). This variant is absent in 245758 control chromosomes (gnomAD). This variant has been reported in a large Dutch family with attenuated familial adenomatous polyposis where it co-segregated with disease (van der Luijt_1996). Western blot analysis of lymphoblastoid cell lines derived from affected family members from this kindred showed only the wild-type APC protein, showing that it does not result into stable truncated APC protein. Multiple reputable databases have classified this variant as pathogenic. Taken together, this variant is classified as pathogenic.

OMIM
Classification: Pathogenic for FAMILIAL ADENOMATOUS POLYPOSIS 1, ATTENUATED. Last evaluated: 1996-12-01. Review status: no assertion criteria provided. Collection method: literature only. Allele origin: germline. Not counted in ClinVar's aggregate classification.

Literature cited by the submitters: PubMed 8931709 (cited by Labcorp Genetics (formerly Invitae), Labcorp and OMIM); PubMed 17489848 (cited by Labcorp Genetics (formerly Invitae), Labcorp); PubMed 1316610 (cited by Labcorp Genetics (formerly Invitae), Labcorp); PubMed 8381579 (cited by Labcorp Genetics (formerly Invitae), Labcorp); PubMed 9824584 (cited by Labcorp Genetics (formerly Invitae), Labcorp); PubMed 22135120 (cited by Labcorp Genetics (formerly Invitae), Labcorp); PubMed 27081525 (cited by Labcorp Genetics (formerly Invitae), Labcorp).